The following is an entry in ClinVar:

ClinVar aggregate classification (germline): Uncertain significance (1 of 4 stars; one submission).

Submission:

GeneDx
Classification: Uncertain significance. Last evaluated: 2024-05-07. Review status: criteria provided, single submitter. Criteria: GeneDx Variant Classification Process June 2021. Collection method: clinical testing. Allele origin: germline. Affected: yes.
Comment: Not observed at significant frequency in large population cohorts (gnomAD); In silico analysis supports that this missense variant has a deleterious effect on protein structure/function; Has not been previously published as pathogenic or benign to our knowledge

NM_001005273.3(CHD3):c.3070G>T (p.Asp1024Tyr)

Gene: CHD3 (chromodomain helicase DNA binding protein 3; plus strand). Cytogenetic location: 17p13.1.
Variant type: single nucleotide variant.
Coding change: c.3070G>T on transcript NM_001005273.3 (MANE Select); coding-DNA position 3070, G replaced by T.
Protein change: p.Asp1024Tyr; replaces aspartic acid 1024 with tyrosine.
Molecular consequence: missense variant.
Genome position (GRCh38, 1-based): chr17:7,900,943, G>T. VCF-style: chr17-7900943-G-T. GRCh37 (hg19) VCF-style: chr17-7804261-G-T.
Other names: c.3247G>T, p.Asp1083Tyr (NM_001005271.3); c.3070G>T, p.Asp1024Tyr (NM_005852.4); short protein forms D1024Y, D1083Y.
Identifiers: ClinVar variation 3376069 (VCV003376069.1).